The following is an entry in ClinVar:

ClinVar aggregate classification (germline): Uncertain significance (1 of 4 stars; one submission).

Submission:

CeGaT Center for Human Genetics Tuebingen
Classification: Uncertain significance. Last evaluated: 2024-01-01. Review status: criteria provided, single submitter. Criteria: CeGaT Center For Human Genetics Tuebingen Variant Classification Criteria Version 2. Collection method: clinical testing. Allele origin: germline. Affected: yes. Observed: 1 variant allele.
Comment: POLG: PM2, PP3

NM_002693.3(POLG):c.2746T>C (p.Phe916Leu)

Gene: POLG (DNA polymerase gamma, catalytic subunit; minus strand). Cytogenetic location: 15q26.1.
Variant type: single nucleotide variant.
Coding change: c.2746T>C on transcript NM_002693.3 (MANE Select); coding-DNA position 2746, T replaced by C.
Protein change: p.Phe916Leu; replaces phenylalanine 916 with leucine.
Molecular consequence: missense variant.
Genome position (GRCh38, 1-based): chr15:89,321,001, A>G on the plus strand (T>C on the coding strand, the complement: POLG is on the minus strand). VCF-style: chr15-89321001-A-G. GRCh37 (hg19) VCF-style: chr15-89864232-A-G.
Other names: c.2746T>C, p.Phe916Leu (NM_001126131.2); short protein forms F916L.
Identifiers: ClinVar variation 3026959 (VCV003026959.22), dbSNP rs2509217839, ClinGen allele CA393753316.